The following is an entry in ClinVar:

ClinVar aggregate classification (germline): Uncertain significance (1 of 4 stars; one submission).

Conditions:
Autosomal recessive limb-girdle muscular dystrophy type 2B (LGMDR2). Also called: Limb-girdle muscular dystrophy, type 2B; MUSCULAR DYSTROPHY, LIMB-GIRDLE, AUTOSOMAL RECESSIVE 2; MUSCULAR DYSTROPHY, LIMB-GIRDLE, TYPE 3; Limb-Girdle Muscular Dystrophy Type 2B (LGMD2B). Identifiers: Orphanet 268, MedGen C1850889, MONDO:0009676, OMIM 253601.

Allele frequency attached by ClinVar (database versions not stated): gnomAD exomes below 0.00001.
gnomAD v4.1: 3 of 1,614,196 alleles (0.00019%); highest among the groups gnomAD compares: Middle Eastern, 0.033%; no homozygotes.

Submission:

MGZ Medical Genetics Center
Classification: Uncertain significance for Autosomal recessive limb-girdle muscular dystrophy type 2B. Last evaluated: 2022-05-31. Review status: criteria provided, single submitter. Criteria: ACMG Guidelines, 2015. Collection method: clinical testing. Allele origin: germline. Affected: yes. Observed: 1 variant allele.
Comment: ACMG criteria applied: PM2_SUP, PP3, PP4

NM_001130987.2(DYSF):c.5643-15A>G

Gene: DYSF (dysferlin; plus strand). Cytogenetic location: 2p13.2.
Variant type: single nucleotide variant.
Coding change: c.5643-15A>G on transcript NM_001130987.2 (MANE Select); 15 bases into the intron before coding-DNA position 5643, A replaced by G.
Molecular consequence: intron variant.
Genome position (GRCh38, 1-based): chr2:71,669,590, A>G. VCF-style: chr2-71669590-A-G. GRCh37 (hg19) VCF-style: chr2-71896720-A-G.
Other names: c.5619-15A>G (NM_001130979.2); c.5640-15A>G (NM_001130981.2); c.5577-15A>G (NM_001130980.2); c.5589-15A>G (NM_001130978.2); c.5526-15A>G (NM_003494.4); c.5547-15A>G (NM_001130977.2); c.5484-15A>G (NM_001130976.2); c.5622-15A>G (NM_001130982.2); and 5 more.
Identifiers: ClinVar variation 1709480 (VCV001709480.2), dbSNP rs2546579188, ClinGen allele CA2580067844.